The following is an entry in ClinVar:

NM_018975.4(TERF2IP):c.781T>C (p.Phe261Leu)

Gene: TERF2IP (TERF2 interacting protein; plus strand). Cytogenetic location: 16q23.1.
Variant type: single nucleotide variant.
Coding change: c.781T>C on transcript NM_018975.4 (MANE Select); coding-DNA position 781, T replaced by C.
Protein change: p.Phe261Leu; replaces phenylalanine 261 with leucine.
Molecular consequence: missense variant. On other transcripts: non-coding transcript variant (1).
Genome position (GRCh38, 1-based): chr16:75,654,383, T>C. VCF-style: chr16-75654383-T-C. GRCh37 (hg19) VCF-style: chr16-75688281-T-C.
Other names: short protein forms F261L.
Identifiers: ClinVar variation 3664547 (VCV003664547.2).

ClinVar aggregate classification (germline): Uncertain significance (1 of 4 stars; one submission).

Submission:

Labcorp Genetics (formerly Invitae), Labcorp
Classification: Uncertain significance. Last evaluated: 2024-09-04. Review status: criteria provided, single submitter. Criteria: Invitae Variant Classification Sherloc (09022015). Collection method: clinical testing. Allele origin: germline.
Comment: This sequence change replaces phenylalanine, which is neutral and non-polar, with leucine, which is neutral and non-polar, at codon 261 of the TERF2IP protein (p.Phe261Leu). This variant is not present in population databases (gnomAD no frequency). This variant has not been reported in the literature in individuals affected with TERF2IP-related conditions. An algorithm developed to predict the effect of missense changes on protein structure and function outputs the following: PolyPhen-2: "Benign". The leucine amino acid residue is found in multiple mammalian species, which suggests that this missense change does not adversely affect protein function. In summary, the available evidence is currently insufficient to determine the role of this variant in disease. Therefore, it has been classified as a Variant of Uncertain Significance.